The following is an entry in ClinVar:

NM_207361.6(FREM2):c.5112T>G (p.Pro1704=)

Gene: FREM2 (FRAS1 related extracellular matrix 2; plus strand). Cytogenetic location: 13q13.3.
Variant type: single nucleotide variant.
Coding change: c.5112T>G on transcript NM_207361.6 (MANE Select); coding-DNA position 5112, T replaced by G.
Protein change: p.Pro1704=; no amino-acid change (proline 1704 retained).
Molecular consequence: synonymous variant.
Genome position (GRCh38, 1-based): chr13:38,692,456, T>G. VCF-style: chr13-38692456-T-G. GRCh37 (hg19) VCF-style: chr13-39266593-T-G.
Other names: p.Pro1704=.
Identifiers: ClinVar variation 2193924 (VCV002193924.5), dbSNP rs145894184, ClinGen allele CA6955142.
Genomic context (GRCh38, chr13:38,692,456, plus strand): 5'-GAAAGTGGAGGACAGAGACAGCTTACACATTTCTCTTAGATTTATCGTGACAGAGGCCCC[T>G]CAACATGGATATCTTCTCAACCTGGACAAAGGCAACCACAGCATCACTCAGTTCACACAA-3'
Protein context (NP_997244.4, residues 1694-1714): ISLRFIVTEA[Pro1704=]QHGYLLNLDK

ClinVar aggregate classification (germline): Likely benign. Review status: criteria provided, multiple submitters, no conflicts (2 of 4 stars). 2 submissions from 2 submitters: Likely benign (2). Last evaluated 2025-12-28.

Allele frequency attached by ClinVar (database versions not stated): gnomAD exomes 0.00001; ExAC 0.00010; gnomAD 0.00011; TOPMed 0.00013; ESP Exome Variant Server 0.00031; 1000 Genomes Project 30x 0.00062; 1000 Genomes Project 0.00080.
gnomAD v4.1: 40 of 1,613,794 alleles (0.0025%); highest among the groups gnomAD compares: African/African-American, 0.033%; no homozygotes.

Submissions (2):

Labcorp Genetics (formerly Invitae), Labcorp
Classification: Likely benign. Last evaluated: 2025-12-28. Review status: criteria provided, single submitter. Criteria: Invitae Variant Classification Sherloc (09022015). Collection method: clinical testing. Allele origin: germline.

Mayo Clinic Laboratories, Mayo Clinic
Classification: Likely benign. Last evaluated: 2025-04-18. Review status: criteria provided, single submitter. Criteria: ACMG Guidelines, 2015. Collection method: clinical testing. Allele origin: germline. Observed: 1 variant allele.
Comment: BP4, BP7